The following is an entry in ClinVar:

ClinVar aggregate classification (germline): Pathogenic/Likely pathogenic. Review status: criteria provided, multiple submitters, no conflicts (2 of 4 stars). 3 submissions from 3 submitters: Pathogenic (1); Likely pathogenic (1). 1 of the submissions does not count toward it. Last evaluated 2020-11-13.

Conditions:
Pulmonary fibrosis and/or bone marrow failure, Telomere-related, 3. Also called: PULMONARY FIBROSIS AND/OR BONE MARROW FAILURE SYNDROME, TELOMERE-RELATED, 3. Identifiers: Orphanet 2032, MedGen C4225346, MONDO:0014613, OMIM 616373.
Interstitial lung disease 2 (ILD2). Also called: FIBROCYSTIC PULMONARY DYSPLASIA; FIBROSING ALVEOLITIS, CRYPTOGENIC; Familial idiopathic pulmonary fibrosis. Identifiers: Orphanet 2032, Orphanet 79126, MedGen C5561926, MONDO:0800497, OMIM 178500, MONDO:0800029.

Submissions (3):

GeneDx
Classification: Likely pathogenic. Last evaluated: 2020-11-13. Review status: criteria provided, single submitter. Criteria: GeneDx Variant Classification Process June 2021. Collection method: clinical testing. Allele origin: germline. Affected: yes.
Comment: Not observed in large population cohorts (Lek 2016); In-frame deletion of three amino acids in a non-repeat region; In silico analysis supports a deleterious effect on protein structure/function; This variant is associated with the following publications: (PMID: 25607374)

University of Washington Center for Mendelian Genomics, University of Washington
Classification: Pathogenic for Interstitial lung disease 2. Last evaluated: 2015-05-19. Review status: criteria provided, single submitter. Criteria: Submitter's publication. Collection method: research. Allele origin: inherited. Affected: yes.

OMIM
Classification: Pathogenic for PULMONARY FIBROSIS AND/OR BONE MARROW FAILURE SYNDROME, TELOMERE-RELATED, 3. Last evaluated: 2015-03-15. Review status: no assertion criteria provided. Collection method: literature only. Allele origin: germline. Not counted in ClinVar's aggregate classification.

Literature cited by the submitters: PubMed 25607374 (cited by OMIM).

NM_001283009.2(RTEL1):c.2219_2227del (p.His740_Ile742del)

Genes: RTEL1-TNFRSF6B (RTEL1-TNFRSF6B readthrough (NMD candidate); plus strand), RTEL1 (regulator of telomere elongation helicase 1; plus strand). Cytogenetic location: 20q13.33.
Variant type: Deletion.
Coding change: c.2219_2227del on transcript NM_001283009.2 (MANE Select); coding-DNA positions 2219 to 2227, 9 bases deleted (ATGTCATCC; older notation c.2219_2227delATGTCATCC).
Protein change: p.His740_Ile742del.
Molecular consequence: inframe deletion. On other transcripts: non-coding transcript variant (1).
Genome position (GRCh38, 1-based): chr20:63,690,164-63,690,172, ATGTCATCC deleted; deleting any 9 consecutive bases within chr20:63,690,162-63,690,172 gives the same sequence; the c. name uses the placement nearest the transcript's 3' end. VCF-style (leftmost placement, unchanged base first): chr20-63690161-GCCATGTCAT-G. GRCh37 (hg19) VCF-style: chr20-62321514-GCCATGTCAT-G.
Other names: c.1550_1558del, p.His517_Ile519del (NM_001283010.1); c.2219_2227del, p.His740_Ile742del (NM_016434.4); c.2291_2299del, p.His764_Ile766del (NM_032957.5).
Identifiers: ClinVar variation 217283 (VCV000217283.5), dbSNP rs863225053, ClinGen allele CA279132.
Genomic context (GRCh38, chr20:63,690,161, plus strand): 5'-ACGCAAGAGCCCAACTGCCCTCCTGGGTGCGTCCCCACGTCAGGGTGTATGACAACTTTG[GCCATGTCAT>G]CCGAGACGTGGCCCAGTTCTTCCGTGTTGCCGAGCGAACTGTGAGTTCCTGCCCAGGGAG-3'